The following is an entry in ClinVar:

ClinVar aggregate classification (germline): Uncertain significance (1 of 4 stars; one submission).

Conditions:
Distal myopathy with posterior leg and anterior hand involvement. Also called: WILLIAMS DISTAL MYOPATHY. Identifiers: Orphanet 63273, MedGen C3279722, MONDO:0013550, OMIM 614065.
Myofibrillar myopathy 5. Also called: FILAMINOPATHY, AUTOSOMAL DOMINANT; Filaminopathy (type). Identifiers: Orphanet 171445, MedGen C1836050, MONDO:0012289, OMIM 609524.
Hypertrophic cardiomyopathy 26. Also called: Cardiomyopathy, familial hypertrophic, 26. Identifiers: Orphanet 75249, MedGen C4310749, MONDO:0014883, OMIM 617047.

Submission:

Labcorp Genetics (formerly Invitae), Labcorp
Classification: Uncertain significance for Distal myopathy with posterior leg and anterior hand involvement; Myofibrillar myopathy 5; Hypertrophic cardiomyopathy 26. Last evaluated: 2021-10-21. Review status: criteria provided, single submitter. Criteria: Invitae Variant Classification Sherloc (09022015). Collection method: clinical testing. Allele origin: germline.
Comment: In summary, the available evidence is currently insufficient to determine the role of this variant in disease. Therefore, it has been classified as a Variant of Uncertain Significance. Algorithms developed to predict the effect of missense changes on protein structure and function are either unavailable or do not agree on the potential impact of this missense change (SIFT: "Deleterious"; PolyPhen-2: "Probably Damaging"; Align-GVGD: "Class C0"). This variant has not been reported in the literature in individuals affected with FLNC-related conditions. This variant is not present in population databases (ExAC no frequency). This sequence change replaces serine with arginine at codon 1527 of the FLNC protein (p.Ser1527Arg). The serine residue is highly conserved and there is a moderate physicochemical difference between serine and arginine.

NM_001458.5(FLNC):c.4581C>A (p.Ser1527Arg)

Gene: FLNC (filamin C; plus strand). Cytogenetic location: 7q32.1.
Variant type: single nucleotide variant.
Coding change: c.4581C>A on transcript NM_001458.5 (MANE Select); coding-DNA position 4581, C replaced by A.
Protein change: p.Ser1527Arg; replaces serine 1527 with arginine.
Molecular consequence: missense variant.
Genome position (GRCh38, 1-based): chr7:128,848,561, C>A. VCF-style: chr7-128848561-C-A. GRCh37 (hg19) VCF-style: chr7-128488615-C-A.
Other names: c.4581C>A, p.Ser1527Arg (NM_001127487.2); short protein forms S1527R.
Identifiers: ClinVar variation 1388493 (VCV001388493.6), dbSNP rs2128937518, ClinGen allele CA369202070.